The following is an entry in ClinVar:

ClinVar aggregate classification (germline): Likely benign. Review status: criteria provided, multiple submitters, no conflicts (2 of 4 stars). 2 submissions from 2 submitters: Likely benign (2). Last evaluated 2025-08-01.

Allele frequency attached by ClinVar (database versions not stated): gnomAD 0.00003 and 0.00025; TOPMed 0.00004; ESP Exome Variant Server 0.00008; ExAC 0.00067; gnomAD exomes 0.00070; 1000 Genomes Project 30x 0.00172; 1000 Genomes Project 0.00180.
gnomAD v4.1: 529 of 1,613,822 alleles (0.033%); highest among the groups gnomAD compares: South Asian, 0.51%; 8 homozygotes.

Submissions (2):

CeGaT Center for Human Genetics Tuebingen
Classification: Likely benign. Last evaluated: 2025-08-01. Review status: criteria provided, single submitter. Criteria: CeGaT Center For Human Genetics Tuebingen Variant Classification Criteria Version 2. Collection method: clinical testing. Allele origin: germline. Affected: yes. Observed: 1 variant allele.
Comment: MED23: BP4, BP7

Genetic Services Laboratory, University of Chicago
Classification: Likely benign. Last evaluated: 2016-03-14. Review status: criteria provided, single submitter. Criteria: ACMG Guidelines, 2015. Collection method: clinical testing. Allele origin: germline. Affected: no.

NM_004830.4(MED23):c.1206A>G (p.Leu402=)

Gene: MED23 (mediator complex subunit 23; minus strand). Cytogenetic location: 6q23.2.
Variant type: single nucleotide variant.
Coding change: c.1206A>G on transcript NM_004830.4 (MANE Select); coding-DNA position 1206, A replaced by G.
Protein change: p.Leu402=; no amino-acid change (leucine 402 retained).
Molecular consequence: synonymous variant.
Genome position (GRCh38, 1-based): chr6:131,607,943, T>C on the plus strand (A>G on the coding strand, the complement: MED23 is on the minus strand). VCF-style: chr6-131607943-T-C. GRCh37 (hg19) VCF-style: chr6-131929083-T-C.
Other names: c.1206A>G, p.Leu402= (NM_001270521.2, NM_001270522.2); c.1224A>G, p.Leu408= (NM_015979.4).
Identifiers: ClinVar variation 435853 (VCV000435853.14), dbSNP rs377352569, ClinGen allele CA4000032.